The following is an entry in ClinVar:

NM_003000.3(SDHB):c.658A>G (p.Ile220Val)

Gene: SDHB (succinate dehydrogenase complex iron sulfur subunit B; minus strand). Cytogenetic location: 1p36.13.
Variant type: single nucleotide variant.
Coding change: c.658A>G on transcript NM_003000.3 (MANE Select); coding-DNA position 658, A replaced by G.
Protein change: p.Ile220Val; replaces isoleucine 220 with valine.
Molecular consequence: missense variant.
Genome position (GRCh38, 1-based): chr1:17,022,715, T>C on the plus strand (A>G on the coding strand, the complement: SDHB is on the minus strand). VCF-style: chr1-17022715-T-C. GRCh37 (hg19) VCF-style: chr1-17349210-T-C.
Other names: short protein forms I220V.
Identifiers: ClinVar variation 528738 (VCV000528738.15), dbSNP rs1188548211, ClinGen allele CA338270477.

ClinVar aggregate classification (germline): Uncertain significance. Review status: criteria provided, multiple submitters, no conflicts (2 of 4 stars). 6 submissions from 6 submitters: Uncertain significance (6). Last evaluated 2025-08-13.

Conditions:
Gastrointestinal stromal tumor. Also called: Gastrointestinal stromal tumor, somatic; Gastrointestinal stroma tumor. Identifiers: Orphanet 44890, MedGen C0238198, MeSH D046152, MONDO:0011719, OMIM 606764, HP:0100723.
Hereditary cancer-predisposing syndrome. Also called: Hereditary neoplastic syndrome; Neoplastic Syndromes, Hereditary; Hereditary Cancer Syndrome; Tumor predisposition. Identifiers: Orphanet 140162, MedGen C0027672, MeSH D009386, MONDO:0015356.
Hereditary pheochromocytoma and paraganglioma. Also called: Hereditary pheochromocytoma-paraganglioma; Hereditary Paraganglioma-Pheochromocytoma Syndromes; Hereditary paragangliomas and pheochromocytomas. Identifiers: Orphanet 29072, MedGen C4274332, MONDO:0017366.
Pheochromocytoma. Also called: MAX-Related Hereditary Paraganglioma-Pheochromocytoma Syndrome. Identifiers: Orphanet 29072, MedGen C0031511, MONDO:0008233, OMIM 171300, HP:0002666.
Pheochromocytoma/paraganglioma syndrome 4. Also called: SDHB-Related Hereditary Paraganglioma-Pheochromocytoma Syndrome; PARAGANGLIOMA, FAMILIAL MALIGNANT; PARAGANGLIOMAS, HEREDITARY EXTRAADRENAL; PHEOCHROMOCYTOMA, FAMILIAL EXTRAADRENAL; Paragangliomas 4; CAROTID BODY TUMORS AND MULTIPLE EXTRAADRENAL PHEOCHROMOCYTOMAS. Identifiers: Orphanet 29072, MedGen C1861848, MONDO:0007273, OMIM 115310.

Allele frequency attached by ClinVar (database versions not stated): gnomAD exomes below 0.00001.
gnomAD v4.1: 3 of 1,613,736 alleles (0.00019%); highest among the groups gnomAD compares: African/African-American, 0.0027%; no homozygotes.

Submissions (6):

Labcorp Genetics (formerly Invitae), Labcorp
Classification: Uncertain significance for Gastrointestinal stromal tumor; Pheochromocytoma/paraganglioma syndrome 4; Pheochromocytoma. Last evaluated: 2025-08-13. Review status: criteria provided, single submitter. Criteria: Invitae Variant Classification Sherloc (09022015). Collection method: clinical testing. Allele origin: germline.
Comment: This sequence change replaces isoleucine, which is neutral and non-polar, with valine, which is neutral and non-polar, at codon 220 of the SDHB protein (p.Ile220Val). This variant is present in population databases (no rsID available, gnomAD 0.007%). This missense change has been observed in individual(s) with SDHB-related condition (PMID: 34906457). ClinVar contains an entry for this variant (Variation ID: 528738). Invitae Evidence Modeling of protein sequence and biophysical properties (such as structural, functional, and spatial information, amino acid conservation, physicochemical variation, residue mobility, and thermodynamic stability) indicates that this missense variant is not expected to disrupt SDHB protein function with a negative predictive value of 80%. In summary, the available evidence is currently insufficient to determine the role of this variant in disease. Therefore, it has been classified as a Variant of Uncertain Significance.

All of Us Research Program, National Institutes of Health
Classification: Uncertain significance for Hereditary pheochromocytoma and paraganglioma. Last evaluated: 2023-12-18. Review status: criteria provided, single submitter. Criteria: ACMG Guidelines, 2015. Collection method: clinical testing. Allele origin: germline. Inheritance: Autosomal dominant inheritance. Observed: 1 variant allele, 1 heterozygote.
Comment: This missense variant replaces isoleucine with valine at codon 220 of the SDHB protein. Computational prediction suggests that this variant may not impact protein structure and function (internally defined REVEL score threshold <= 0.5, PMID: 27666373). To our knowledge, functional studies have not been reported for this variant. This variant has been reported in an individual affected with hereditary paranganglioma-pheochromocytoma syndrome (PMID: 34906457). This variant has been identified in 1/251228 chromosomes in the general population by the Genome Aggregation Database (gnomAD). The available evidence is insufficient to determine the role of this variant in disease conclusively. Therefore, this variant is classified as a Variant of Uncertain Significance.

This study involves interpretation of variants in research participants for the purpose of population health screening. Participant phenotype was not available at the time of variant classification. Additional details can be found in publication PMID: 35346344, PMCID: PMC8962531

Baylor Genetics
Classification: Uncertain significance for Gastrointestinal stromal tumor. Last evaluated: 2023-12-10. Review status: criteria provided, single submitter. Criteria: ACMG Guidelines, 2015. Collection method: clinical testing. Allele origin: unknown.

Color Diagnostics, LLC DBA Color Health
Classification: Uncertain significance for Hereditary pheochromocytoma and paraganglioma. Last evaluated: 2023-10-18. Review status: criteria provided, single submitter. Criteria: ACMG Guidelines, 2015. Collection method: clinical testing. Allele origin: germline.
Comment: This missense variant replaces isoleucine with valine at codon 220 of the SDHB protein. Computational prediction suggests that this variant may not impact protein structure and function (internally defined REVEL score threshold <= 0.5, PMID: 27666373). To our knowledge, functional studies have not been reported for this variant. This variant has been reported in an individual affected with hereditary paranganglioma-pheochromocytoma syndrome (PMID: 34906457). This variant has been identified in 1/251228 chromosomes in the general population by the Genome Aggregation Database (gnomAD). The available evidence is insufficient to determine the role of this variant in disease conclusively. Therefore, this variant is classified as a Variant of Uncertain Significance.

GeneDx
Classification: Uncertain significance. Last evaluated: 2023-09-14. Review status: criteria provided, single submitter. Criteria: GeneDx Variant Classification Process June 2021. Collection method: clinical testing. Allele origin: germline. Affected: yes.
Comment: Not observed at significant frequency in large population cohorts (gnomAD); In silico analysis supports that this missense variant does not alter protein structure/function; Observed in an cohort of individuals with pheochromocytomas and paragangliomas (PCC/PGL) in published literature (Garrett et al., 2022); This variant is associated with the following publications: (PMID: 34906457)

Ambry Genetics
Classification: Uncertain significance for Hereditary cancer-predisposing syndrome. Last evaluated: 2023-09-02. Review status: criteria provided, single submitter. Criteria: Ambry Variant Classification Scheme 2023. Collection method: clinical testing. Allele origin: germline.
Comment: The p.I220V variant (also known as c.658A>G), located in coding exon 7 of the SDHB gene, results from an A to G substitution at nucleotide position 658. The isoleucine at codon 220 is replaced by valine, an amino acid with highly similar properties. This alteration was observed in one individual in a cohort of 6328 individuals with PGL/PCC tested for SDHB (Garrett A et al. Genet Med, 2022 Jan;24:41-50). This amino acid position is highly conserved in available vertebrate species. In addition, the in silico prediction for this alteration is inconclusive. Since supporting evidence is limited at this time, the clinical significance of this alteration remains unclear.

Literature cited by the submitters: PubMed 34906457 (cited by 4 submitters).